The following is an entry in ClinVar:

ClinVar aggregate classification (germline): Uncertain significance (1 of 4 stars; one submission).

Conditions:
Dyskeratosis congenita. Identifiers: Orphanet 1775, MedGen C0265965, MONDO:0015780.

Submission:

Ambry Genetics
Classification: Uncertain significance for Dyskeratosis congenita. Last evaluated: 2025-05-03. Review status: criteria provided, single submitter. Criteria: Ambry Variant Classification Scheme 2023. Collection method: clinical testing. Allele origin: germline.
Comment: The p.G1057V variant (also known as c.3170G>T), located in coding exon 15 of the TERT gene, results from a G to T substitution at nucleotide position 3170. The glycine at codon 1057 is replaced by valine, an amino acid with dissimilar properties. This amino acid position is conserved. In addition, the in silico prediction for this alteration is inconclusive. Based on the available evidence, the clinical significance of this variant remains unclear.

NM_198253.3(TERT):c.3170G>T (p.Gly1057Val)

Gene: TERT (telomerase reverse transcriptase; minus strand). Cytogenetic location: 5p15.33.
Variant type: single nucleotide variant.
Coding change: c.3170G>T on transcript NM_198253.3 (MANE Select); coding-DNA position 3170, G replaced by T.
Protein change: p.Gly1057Val; replaces glycine 1057 with valine.
Molecular consequence: missense variant. On other transcripts: non-coding transcript variant (2).
Genome position (GRCh38, 1-based): chr5:1,254,493, C>A on the plus strand (G>T on the coding strand, the complement: TERT is on the minus strand). VCF-style: chr5-1254493-C-A. GRCh37 (hg19) VCF-style: chr5-1254608-C-A.
Other names: c.2981G>T, p.Gly994Val (NM_001193376.3); short protein forms G1057V, G994V.
Identifiers: ClinVar variation 3967359 (VCV003967359.1).